The following is an entry in ClinVar:

NM_000051.4(ATM):c.2639-2A>T

Gene: ATM (ATM serine/threonine kinase; plus strand). Cytogenetic location: 11q22.3.
Variant type: single nucleotide variant.
Coding change: c.2639-2A>T on transcript NM_000051.4 (MANE Select); the canonical splice acceptor site of the intron before coding-DNA position 2639, A replaced by T.
Molecular consequence: splice acceptor variant.
Genome position (GRCh38, 1-based): chr11:108,268,408, A>T. VCF-style: chr11-108268408-A-T. GRCh37 (hg19) VCF-style: chr11-108139135-A-T.
Other names: c.2639-2A>T (NM_001351834.2).
Identifiers: ClinVar variation 3148132 (VCV003148132.1), dbSNP rs1591593566, ClinGen allele CA382544960.

ClinVar aggregate classification (germline): Likely pathogenic (1 of 4 stars; one submission).

Conditions:
Familial cancer of breast. Also called: BREAST CANCER, FAMILIAL; Hereditary breast cancer; hereditary breast carcinoma. Identifiers: Orphanet 227535, MedGen C0346153, MONDO:0016419, OMIM 114480. Disease mechanism: loss of function.

Submission:

Myriad Genetics, Inc.
Classification: Likely pathogenic for Familial cancer of breast. Last evaluated: 2024-01-18. Review status: criteria provided, single submitter. Criteria: Myriad Autosomal Dominant, Autosomal Recessive and X-Linked Classification Criteria (2023). Collection method: clinical testing. Allele origin: unknown.
Comment: This variant is considered likely pathogenic. This variant occurs within a consensus splice junction and is predicted to result in abnormal mRNA splicing of either an out-of-frame exon or an in-frame exon necessary for protein stability and/or normal function.